The following is an entry in ClinVar:

ClinVar aggregate classification (germline): Pathogenic (1 of 4 stars; one submission).

Conditions:
Hereditary nonpolyposis colorectal neoplasms. Identifiers: MedGen C0009405, MeSH D003123.

Submission:

Labcorp Genetics (formerly Invitae), Labcorp
Classification: Pathogenic for Hereditary nonpolyposis colorectal neoplasms. Last evaluated: 2025-11-07. Review status: criteria provided, single submitter. Criteria: Invitae Variant Classification Sherloc (09022015). Collection method: clinical testing. Allele origin: germline.
Comment: This sequence change inserts a large fragment of DNA, likely a transposable element, in exon 11 of the PMS2 gene (c.1748_1749ins?), causing a frameshift at codon 584 (p.Ile584fs). The exact size and sequence of the insertion cannot be determined by the current assay. However, the insertion is expected to result in an absent or disrupted protein product. This variant is not present in population databases (gnomAD no frequency). This variant has not been reported in the literature in individuals affected with PMS2-related conditions. Retrotransposon insertions including LINE1 (L1), Alu, and SVA (SINE-VNTR-Alu) have been reported to be disease-causing through disruption of either a coding region or splice site (PMID: 19763152, 20307669, 22406018) and loss-of-function variants in PMS2 are known to be pathogenic (PMID: 21376568, 24362816). For these reasons, this variant has been classified as Pathogenic.

Literature cited by the submitters: PubMed 19763152; PubMed 20307669; PubMed 22406018; PubMed 21376568; PubMed 24362816.

NM_000535.7(PMS2):c.1748_1749insGGCCGGGCGCGGTGGCTCACGCCTGTAATCCCAGCACTTTGGGAGGCCGAGGCGGGTGGATCATGANNNNNNNNNNAAAAAAAAAAAAAAAAAAAAAAAAAAGAAGA (p.Glu583_Ile584insAlaGlyArgGlyGlySerArgLeuTer)

Gene: PMS2 (PMS1 homolog 2, mismatch repair system component; minus strand). Cytogenetic location: 7p22.1.
Variant type: Microsatellite.
Coding change: c.1748_1749insGGCCGGGCGCGGTGGCTCACGCCTGTAATCCCAGCACTTTGGGAGGCCGAGGCGGGTGGATCATGANNNNNNNNNNAAAAAAAAAAAAAAAAAAAAAAAAAAGAAGA on transcript NM_000535.7 (MANE Select); coding-DNA positions 1748 to 1749, GGCCGGGCGCGGTGGCTCACGCCTGTAATCCCAGCACTTTGGGAGGCCGAGGCGGGTGGATCATGANNNNNNNNNNAAAAAAAAAAAAAAAAAAAAAAAAAAGAAGA inserted.
Protein change: p.Glu583_Ile584insAlaGlyArgGlyGlySerArgLeuTer.
Molecular consequence: nonsense, inframe insertion. On other transcripts: non-coding transcript variant (1), intron variant (1).
Genome position: GRCh38: chr7:5,987,017-5,987,027. GRCh37 (hg19), VCF-style position (the base before the change): chr7:6,026,647.
Other names: c.1343_1344insGGCCGGGCGCGGTGGCTCACGCCTGTAATCCCAGCACTTTGGGAGGCCGAGGCGGGTGGATCATGANNNNNNNNNNAAAAAAAAAAAAAAAAAAAAAAAAAAGAAGA, p.Glu448_Ile449insAlaGlyArgGlyGlySerArgLeuTer (NM_001322003.2, NM_001322004.2, NM_001322005.2 and 16 more transcripts); c.1592_1593insGGCCGGGCGCGGTGGCTCACGCCTGTAATCCCAGCACTTTGGGAGGCCGAGGCGGGTGGATCATGANNNNNNNNNNAAAAAAAAAAAAAAAAAAAAAAAAAAGAAGA, p.Glu531_Ile532insAlaGlyArgGlyGlySerArgLeuTer (NM_001322006.2, NM_001406870.1); c.1430_1431insGGCCGGGCGCGGTGGCTCACGCCTGTAATCCCAGCACTTTGGGAGGCCGAGGCGGGTGGATCATGANNNNNNNNNNAAAAAAAAAAAAAAAAAAAAAAAAAAGAAGA, p.Glu477_Ile478insAlaGlyArgGlyGlySerArgLeuTer (NM_001322007.2, NM_001322008.2, NM_001406876.1 and 2 more transcripts); c.1187_1188insGGCCGGGCGCGGTGGCTCACGCCTGTAATCCCAGCACTTTGGGAGGCCGAGGCGGGTGGATCATGANNNNNNNNNNAAAAAAAAAAAAAAAAAAAAAAAAAAGAAGA, p.Glu396_Ile397insAlaGlyArgGlyGlySerArgLeuTer (NM_001322010.2, NM_001406906.1, NM_001406907.1); c.815_816insGGCCGGGCGCGGTGGCTCACGCCTGTAATCCCAGCACTTTGGGAGGCCGAGGCGGGTGGATCATGANNNNNNNNNNAAAAAAAAAAAAAAAAAAAAAAAAAAGAAGA, p.Glu272_Ile273insAlaGlyArgGlyGlySerArgLeuTer (NM_001322011.2, NM_001322012.2); c.1175_1176insGGCCGGGCGCGGTGGCTCACGCCTGTAATCCCAGCACTTTGGGAGGCCGAGGCGGGTGGATCATGANNNNNNNNNNAAAAAAAAAAAAAAAAAAAAAAAAAAGAAGA, p.Glu392_Ile393insAlaGlyArgGlyGlySerArgLeuTer (NM_001322013.2, NM_001406909.1); c.1748_1749insGGCCGGGCGCGGTGGCTCACGCCTGTAATCCCAGCACTTTGGGAGGCCGAGGCGGGTGGATCATGANNNNNNNNNNAAAAAAAAAAAAAAAAAAAAAAAAAAGAAGA, p.Glu583_Ile584insAlaGlyArgGlyGlySerArgLeuTer (NM_001322014.2, NM_001406871.1, NM_001406872.1); c.1439_1440insGGCCGGGCGCGGTGGCTCACGCCTGTAATCCCAGCACTTTGGGAGGCCGAGGCGGGTGGATCATGANNNNNNNNNNAAAAAAAAAAAAAAAAAAAAAAAAAAGAAGA, p.Glu480_Ile481insAlaGlyArgGlyGlySerArgLeuTer (NM_001322015.2, NM_001406875.1, NM_001406877.1 and 5 more transcripts); and 13 more.
Identifiers: ClinVar variation 4722065 (VCV004722065.1).